The following is an entry in ClinVar:

NM_000260.4(MYO7A):c.5660C>T (p.Pro1887Leu)

Gene: MYO7A (myosin VIIA; plus strand). Cytogenetic location: 11q13.5.
Variant type: single nucleotide variant.
Coding change: c.5660C>T on transcript NM_000260.4 (MANE Select); coding-DNA position 5660, C replaced by T.
Protein change: p.Pro1887Leu; replaces proline 1887 with leucine.
Molecular consequence: missense variant.
Genome position (GRCh38, 1-based): chr11:77,206,120, C>T. VCF-style: chr11-77206120-C-T. GRCh37 (hg19) VCF-style: chr11-76917165-C-T.
Other names: c.5546C>T, p.Pro1849Leu (NM_001127180.2); c.5513C>T, p.Pro1838Leu (NM_001369365.1); short protein forms P1887L, P1849L, P1838L.
Identifiers: ClinVar variation 43295 (VCV000043295.23), dbSNP rs199606180, ClinGen allele CA278690.

ClinVar aggregate classification (germline): Pathogenic/Likely pathogenic. Review status: criteria provided, multiple submitters, no conflicts (2 of 4 stars). 10 submissions from 10 submitters: Pathogenic (6); Likely pathogenic (2). 2 of the submissions do not count toward it. Last evaluated 2025-10-16.

Conditions:
MYO7A-related disorder. Also called: MYO7A-related disorders.
Rare genetic deafness. Identifiers: Orphanet 96210, MedGen C5680250.
Autosomal recessive nonsyndromic hearing loss 2. Also called: DEAFNESS, AUTOSOMAL RECESSIVE 2; NEUROSENSORY NONSYNDROMIC RECESSIVE DEAFNESS 2. Identifiers: Orphanet 90636, MedGen C1838701, MONDO:0010807, OMIM 600060.
Usher syndrome type 1 (USH1). Also called: RETINITIS PIGMENTOSA AND CONGENITAL DEAFNESS. Identifiers: Orphanet 231169, Orphanet 886, MedGen C1568247, MONDO:0010168, OMIM 276900.
Usher syndrome type 1B (USH1B). Also called: Usher syndrome type IB. Identifiers: MedGen C1848638, MONDO:0700087.
Hearing loss, autosomal recessive. Also called: Deafness, autosomal recessive; Rare autosomal recessive non-syndromic sensorineural deafness type DFNB; Autosomal recessive nonsyndromic deafness; Nonsyndromic Hearing Loss, Recessive. Identifiers: Orphanet 90635, Orphanet 90636, MedGen C1846647, MONDO:0019588, OMIM 607197.

Allele frequency attached by ClinVar (database versions not stated): gnomAD exomes 0.00001; TOPMed 0.00001; ExAC 0.00002; gnomAD 0.00002.

Submissions (10):

Labcorp Genetics (formerly Invitae), Labcorp
Classification: Pathogenic. Last evaluated: 2025-10-16. Review status: criteria provided, single submitter. Criteria: Invitae Variant Classification Sherloc (09022015). Collection method: clinical testing. Allele origin: germline.
Comment: This sequence change replaces proline, which is neutral and non-polar, with leucine, which is neutral and non-polar, at codon 1887 of the MYO7A protein (p.Pro1887Leu). The frequency data for this variant in the population databases is considered unreliable, as metrics indicate poor data quality at this position in the gnomAD database. This missense change has been observed in individuals with autosomal recessive MYO7A-related conditions (PMID: 10930322, 24194196, 25468891). It has also been observed to segregate with disease in related individuals. ClinVar contains an entry for this variant (Variation ID: 43295). Invitae Evidence Modeling of protein sequence and biophysical properties (such as structural, functional, and spatial information, amino acid conservation, physicochemical variation, residue mobility, and thermodynamic stability) indicates that this missense variant is expected to disrupt MYO7A protein function with a positive predictive value of 95%. For these reasons, this variant has been classified as Pathogenic.

Natera, Inc.
Classification: Likely pathogenic for Usher syndrome type 1B. Last evaluated: 2025-05-14. Review status: criteria provided, single submitter. Criteria: Natera Variant Classification Schema (03/2026). Collection method: clinical testing. Allele origin: germline.
Comment: The c.5660C>T variant in MYO7A is a missense variant predicted to cause substitution of proline to leucine at amino acid 1887. This variant is rare in the general population with a frequency below the threshold expected for the associated phenotype(s). This variant has been observed in one or more individuals affected with the associated recessive disease, as either homozygous or compound heterozygous with a second variant (PMID: 38594301, 10930322). This variant has been observed to segregate in affected family members (PMID: 38594301). Computational prediction algorithms indicate this variant is likely to affect gene or protein function. Given the available evidence, this variant is classified as Likely Pathogenic.

Revvity Omics, Revvity
Classification: Pathogenic. Last evaluated: 2025-04-17. Review status: criteria provided, single submitter. Criteria: ACMG Guidelines, 2015. Collection method: clinical testing. Allele origin: germline.

Blueprint Genetics
Classification: Pathogenic for MYO7A-related disorders. Last evaluated: 2024-04-03. Review status: criteria provided, single submitter. Criteria: ACMG Guidelines, 2015. Collection method: clinical testing. Allele origin: germline. Affected: yes. Observed: 5 variant alleles.

GeneDx
Classification: Likely pathogenic. Last evaluated: 2022-05-31. Review status: criteria provided, single submitter. Criteria: GeneDx Variant Classification Process June 2021. Collection method: clinical testing. Allele origin: germline. Affected: yes.
Comment: Segregates with nonsyndromic hearing loss in multiple affected homozygous individuals from a single family in published literature (Ben-Salem et al., 2014); In silico analysis supports that this missense variant has a deleterious effect on protein structure/function; This variant is associated with the following publications: (PMID: 26968074, 24194196, 10930322, 25468891, 33111992, 33671976, 30303587)

3billion
Classification: Pathogenic for Usher syndrome type 1. Last evaluated: 2022-05-22. Review status: criteria provided, single submitter. Criteria: ACMG Guidelines, 2015. Collection method: clinical testing. Allele origin: germline. Affected: yes. Observed: 1 heterozygote.
Comment: The variant is observed at an extremely low frequency in the gnomAD v2.1.1 dataset (total allele frequency: 0.001%). In silico tool predictions suggest damaging effect of the variant on gene or gene product (REVEL: 0.92; 3Cnet: 0.84). Same nucleotide change resulting in same amino acid change has been previously reported as pathogenic/likely pathogenic with strong evidence (ClinVar ID: VCV000043295). The variant has been reported to co-segregate with the disease in at least 5 similarly affected relatives/individuals in the same family or similarly affected unrelated family (PMID:24194196). Therefore, this variant is classified as pathogenic according to the recommendation of ACMG/AMP guideline.

Ocular Genomics Institute, Massachusetts Eye and Ear
Classification: Pathogenic for Usher syndrome type 1. Last evaluated: 2021-04-08. Review status: criteria provided, single submitter. Criteria: ACMG Guidelines, 2015. Collection method: research. Allele origin: germline. Affected: yes.
Comment: Through a review of available evidence we were able to apply the following criteria: PM2, PP3, PP1-S, PM3-S. Based on this evidence we have classified this variant as Pathogenic.

Laboratory for Molecular Medicine, Mass General Brigham Personalized Medicine
Classification: Pathogenic for Rare genetic deafness. Last evaluated: 2014-08-15. Review status: criteria provided, single submitter. Criteria: LMM Criteria. Collection method: clinical testing. Allele origin: germline. Observed: 1 variant allele.
Comment: proposed classification - variant undergoing re-assessment, contact laboratory

Counsyl
Classification: Likely pathogenic for Usher syndrome type 1; Autosomal recessive nonsyndromic hearing loss 2. Last evaluated: 2017-09-01. Review status: no assertion criteria provided. Collection method: clinical testing. Allele origin: unknown. Not counted in ClinVar's aggregate classification.

University of Washington Center for Mendelian Genomics, University of Washington
Classification: Likely pathogenic for non-syndromic autosomal recessive hearing loss. Review status: no assertion criteria provided. Collection method: research. Allele origin: inherited. Affected: yes. Not counted in ClinVar's aggregate classification.

Literature cited by the submitters: PubMed 10930322 (cited by 5 submitters); PubMed 24194196 (cited by 5 submitters); PubMed 25468891 (cited by 3 submitters); PubMed 38594301 (cited by Natera, Inc.); PubMed 30303587 (cited by University of Washington Center for Mendelian Genomics, University of Washington).